The following is an entry in ClinVar:

ClinVar aggregate classification (germline): Uncertain significance (1 of 4 stars; one submission).

Conditions:
Cardiovascular phenotype. Identifiers: MedGen CN230736.

Allele frequency attached by ClinVar (database versions not stated): ExAC 0.00002.
gnomAD v4.1: 4 of 1,614,096 alleles (0.00025%); highest among the groups gnomAD compares: Non-Finnish European, 0.00034%; no homozygotes.

Submission:

Ambry Genetics
Classification: Uncertain significance for Cardiovascular phenotype. Last evaluated: 2023-05-21. Review status: criteria provided, single submitter. Criteria: Ambry Variant Classification Scheme 2023. Collection method: clinical testing. Allele origin: germline.
Comment: The p.V304M variant (also known as c.910G>A), located in coding exon 7 of the LAMA4 gene, results from a G to A substitution at nucleotide position 910. The valine at codon 304 is replaced by methionine, an amino acid with highly similar properties. This amino acid position is conserved. In addition, this alteration is predicted to be tolerated by in silico analysis. Since supporting evidence is limited at this time, the clinical significance of this alteration remains unclear.

NM_001105206.3(LAMA4):c.931G>A (p.Val311Met)

Gene: LAMA4 (laminin subunit alpha 4; minus strand). Cytogenetic location: 6q21.
Variant type: single nucleotide variant.
Coding change: c.931G>A on transcript NM_001105206.3 (MANE Select); coding-DNA position 931, G replaced by A.
Protein change: p.Val311Met; replaces valine 311 with methionine.
Molecular consequence: missense variant.
Genome position (GRCh38, 1-based): chr6:112,187,485, C>T on the plus strand (G>A on the coding strand, the complement: LAMA4 is on the minus strand). VCF-style: chr6-112187485-C-T. GRCh37 (hg19) VCF-style: chr6-112508687-C-T.
Other names: c.910G>A, p.Val304Met (NM_001105207.3, NM_002290.5); short protein forms V304M, V311M.
Identifiers: ClinVar variation 2562634 (VCV002562634.2), dbSNP rs782172256, ClinGen allele CA3965986.